The following is an entry in ClinVar:

ClinVar aggregate classification (germline): Uncertain significance (1 of 4 stars; one submission).

Conditions:
Immunodeficiency. Identifiers: MedGen C0021051, MONDO:0021094, HP:0002721.

Submission:

Labcorp Genetics (formerly Invitae), Labcorp
Classification: Uncertain significance for Immunodeficiency. Last evaluated: 2026-01-26. Review status: criteria provided, single submitter. Criteria: Invitae Variant Classification Sherloc (09022015). Collection method: clinical testing. Allele origin: germline.
Comment: This variant, c.3552_3563del, results in the deletion of 4 amino acid(s) of the NFAT5 protein (p.Gln1187_Gln1190del), but otherwise preserves the integrity of the reading frame. The frequency data for this variant in the population databases is considered unreliable, as metrics indicate poor data quality at this position in the gnomAD database. This variant has not been reported in the literature in individuals affected with NFAT5-related conditions. ClinVar contains an entry for this variant (Variation ID: 568791). Experimental studies and prediction algorithms are not available or were not evaluated, and the functional significance of this variant is currently unknown. In summary, the available evidence is currently insufficient to determine the role of this variant in disease. Therefore, it has been classified as a Variant of Uncertain Significance.

NM_138713.4(NFAT5):c.3810GCAGCAGCAACA[2] (p.Gln1281_Gln1284del)

Gene: NFAT5 (nuclear factor of activated T cells 5; plus strand). Cytogenetic location: 16q22.1.
Variant type: Microsatellite.
Coding change: c.3810GCAGCAGCAACA[2] on transcript NM_138713.4 (MANE Select); two copies in a row of the 12-base unit GCAGCAGCAACA starting at c.3810; the reference has three copies in a row; one copy, 12 bases deleted.
Protein change: p.Gln1281_Gln1284del.
Molecular consequence: inframe deletion.
Genome position (GRCh38, 1-based): chr16:69,693,659-69,693,670, GCAGCAGCAACA deleted; deleting any 12 consecutive bases within chr16:69,693,633-69,693,670 gives the same sequence; the position shown is the placement nearest the transcript's 3' end. VCF-style (leftmost placement, unchanged base first): chr16-69693632-GCAGCAGCAGCAA-G. GRCh37 (hg19) VCF-style: chr16-69727535-GCAGCAGCAGCAA-G.
Other names: c.3552_3563del (NM_138714.3); c.3807GCAGCAGCAACA[2], p.Gln1280_Gln1283del (NM_001113178.3); c.3135GCAGCAGCAACA[2], p.Gln1056_Gln1059del (NM_001367709.1); c.3756GCAGCAGCAACA[2], p.Gln1263_Gln1266del (NM_006599.4); c.3528GCAGCAGCAACA[2], p.Gln1187_Gln1190del (NM_138714.4, NM_173214.3, NM_173215.3).
Identifiers: ClinVar variation 568791 (VCV000568791.8), dbSNP rs747731827, ClinGen allele CA8135956.
Genomic context (GRCh38, chr16:69,693,632, plus strand): 5'-GTTCCAGTCACAGCACTCAATAGTTGCCATGCAGAGTAACTCTCCATCCCAGGAACAGCA[GCAGCAGCAGCAA>G]CAGCAGCAGCAACAGCAGCAGCAACAACAACAGAGCATTTTATTCAGTAATCAGAATACC-3'